The following is an entry in ClinVar:

NM_000127.3(EXT1):c.2158T>G (p.Ser720Ala)

Gene: EXT1 (exostosin glycosyltransferase 1; minus strand). Cytogenetic location: 8q24.11.
Variant type: single nucleotide variant.
Coding change: c.2158T>G on transcript NM_000127.3 (MANE Select); coding-DNA position 2158, T replaced by G.
Protein change: p.Ser720Ala; replaces serine 720 with alanine.
Molecular consequence: missense variant.
Genome position (GRCh38, 1-based): chr8:117,799,795, A>C on the plus strand (T>G on the coding strand, the complement: EXT1 is on the minus strand). VCF-style: chr8-117799795-A-C. GRCh37 (hg19) VCF-style: chr8-118812034-A-C.
Other names: short protein forms S720A.
Identifiers: ClinVar variation 4805483 (VCV004805483.1).

ClinVar aggregate classification (germline): Uncertain significance (1 of 4 stars; one submission).

Conditions:
Multiple congenital exostosis (EXT). Also called: Multiple exostoses; Hereditary multiple exostoses; Hereditary multiple exostosis; Multiple osteochondromas; MULTIPLE CARTILAGINOUS EXOSTOSES; Hereditary multiple osteochondromas. Identifiers: Orphanet 321, MedGen C0015306, MONDO:0005508, HP:0002762.

Submission:

Labcorp Genetics (formerly Invitae), Labcorp
Classification: Uncertain significance for Multiple congenital exostosis. Last evaluated: 2025-05-28. Review status: criteria provided, single submitter. Criteria: Invitae Variant Classification Sherloc (09022015). Collection method: clinical testing. Allele origin: germline.
Comment: This sequence change replaces serine, which is neutral and polar, with alanine, which is neutral and non-polar, at codon 720 of the EXT1 protein (p.Ser720Ala). This variant is not present in population databases (gnomAD no frequency). This variant has not been reported in the literature in individuals affected with EXT1-related conditions. Invitae Evidence Modeling of protein sequence and biophysical properties (such as structural, functional, and spatial information, amino acid conservation, physicochemical variation, residue mobility, and thermodynamic stability) indicates that this missense variant is expected to disrupt EXT1 protein function with a positive predictive value of 80%. In summary, the available evidence is currently insufficient to determine the role of this variant in disease. Therefore, it has been classified as a Variant of Uncertain Significance.